The following is an entry in ClinVar:

NM_182895.5(SCARF2):c.70C>G (p.Leu24Val)

Gene: SCARF2 (scavenger receptor class F member 2; minus strand). Cytogenetic location: 22q11.21.
Variant type: single nucleotide variant.
Coding change: c.70C>G on transcript NM_182895.5 (MANE Select); coding-DNA position 70, C replaced by G.
Protein change: p.Leu24Val; replaces leucine 24 with valine.
Molecular consequence: missense variant.
Genome position (GRCh38, 1-based): chr22:20,437,685, G>C on the plus strand (C>G on the coding strand, the complement: SCARF2 is on the minus strand). VCF-style: chr22-20437685-G-C. GRCh37 (hg19) VCF-style: chr22-20791972-G-C.
Other names: c.70C>G, p.Leu24Val (NM_153334.7); short protein forms L24V.
Identifiers: ClinVar variation 2727094 (VCV002727094.3), dbSNP rs2052717347, ClinGen allele CA410750144.

ClinVar aggregate classification (germline): Uncertain significance (1 of 4 stars; one submission).

Allele frequency attached by ClinVar (database versions not stated): gnomAD 0.00001; TOPMed 0.00001.
gnomAD v4.1: 1 of 1,481,510 alleles (0.000067%); highest among the groups gnomAD compares: African/African-American, 0.0015%; no homozygotes.

Submission:

Labcorp Genetics (formerly Invitae), Labcorp
Classification: Uncertain significance. Last evaluated: 2024-04-22. Review status: criteria provided, single submitter. Criteria: Invitae Variant Classification Sherloc (09022015). Collection method: clinical testing. Allele origin: germline.
Comment: This sequence change replaces leucine, which is neutral and non-polar, with valine, which is neutral and non-polar, at codon 24 of the SCARF2 protein (p.Leu24Val). This variant is not present in population databases (gnomAD no frequency). This variant has not been reported in the literature in individuals affected with SCARF2-related conditions. Experimental studies and prediction algorithms are not available or were not evaluated, and the functional significance of this variant is currently unknown. In summary, the available evidence is currently insufficient to determine the role of this variant in disease. Therefore, it has been classified as a Variant of Uncertain Significance.